The following is an entry in ClinVar:

NM_001365480.1(CCDC88A):c.154A>G (p.Met52Val)

Gene: CCDC88A (coiled-coil and HOOK domain protein 88A; minus strand). Cytogenetic location: 2p16.1.
Variant type: single nucleotide variant.
Coding change: c.154A>G on transcript NM_001365480.1 (MANE Select); coding-DNA position 154, A replaced by G.
Protein change: p.Met52Val; replaces methionine 52 with valine.
Molecular consequence: missense variant.
Genome position (GRCh38, 1-based): chr2:55,418,826, T>C on the plus strand (A>G on the coding strand, the complement: CCDC88A is on the minus strand). VCF-style: chr2-55418826-T-C. GRCh37 (hg19) VCF-style: chr2-55645962-T-C.
Other names: c.154A>G, p.Met52Val (NM_001135597.2, NM_001254943.2, NM_018084.5); short protein forms M52V.
Identifiers: ClinVar variation 1386413 (VCV001386413.6), dbSNP rs2105017032, ClinGen allele CA346912872.

ClinVar aggregate classification (germline): Uncertain significance (1 of 4 stars; one submission).

Submission:

Labcorp Genetics (formerly Invitae), Labcorp
Classification: Uncertain significance. Last evaluated: 2022-01-13. Review status: criteria provided, single submitter. Criteria: Invitae Variant Classification Sherloc (09022015). Collection method: clinical testing. Allele origin: germline.
Comment: In summary, the available evidence is currently insufficient to determine the role of this variant in disease. Therefore, it has been classified as a Variant of Uncertain Significance. Algorithms developed to predict the effect of missense changes on protein structure and function (SIFT, PolyPhen-2, Align-GVGD) all suggest that this variant is likely to be tolerated. This variant has not been reported in the literature in individuals affected with CCDC88A-related conditions. This variant is not present in population databases (gnomAD no frequency). This sequence change replaces methionine, which is neutral and non-polar, with valine, which is neutral and non-polar, at codon 52 of the CCDC88A protein (p.Met52Val).